The following is an entry in ClinVar:

NM_005726.6(TSFM):c.521C>T (p.Ala174Val)

Gene: TSFM (Ts translation elongation factor, mitochondrial; plus strand). Cytogenetic location: 12q14.1.
Variant type: single nucleotide variant.
Coding change: c.521C>T on transcript NM_005726.6 (MANE Select); coding-DNA position 521, C replaced by T.
Protein change: p.Ala174Val; replaces alanine 174 with valine.
Molecular consequence: missense variant. On other transcripts: intron variant (1).
Genome position (GRCh38, 1-based): chr12:57,793,023, C>T. VCF-style: chr12-57793023-C-T. GRCh37 (hg19) VCF-style: chr12-58186806-C-T.
Other names: c.584C>T, p.Ala195Val (NM_001172696.2); c.521C>T, p.Ala174Val (NM_001172697.2); c.484-3154C>T (NM_001172695.2); c.584C>T (NM_001172696.1); short protein forms A174V, A195V.
Identifiers: ClinVar variation 1500703 (VCV001500703.8), dbSNP rs748509130, ClinGen allele CA6659385.

ClinVar aggregate classification (germline): Uncertain significance. Review status: criteria provided, multiple submitters, no conflicts (2 of 4 stars). 5 submissions from 5 submitters: Uncertain significance (5). Last evaluated 2025-08-12.

Conditions:
TSFM-related disorder. Also called: TSFM-related condition.
Inborn genetic diseases. Identifiers: MedGen C0950123, MeSH D030342.

Allele frequency attached by ClinVar (database versions not stated): gnomAD 0.00001; ExAC 0.00002; gnomAD exomes 0.00002 and 0.00004; TOPMed 0.00004.
gnomAD v4.1: 31 of 1,613,754 alleles (0.0019%); highest among the groups gnomAD compares: Admixed American, 0.017%; no homozygotes.

Submissions (5):

PreventionGenetics, part of Exact Sciences
Classification: Uncertain significance for TSFM-related condition. Last evaluated: 2025-08-12. Review status: criteria provided, single submitter. Criteria: ACMG Guidelines, 2015. Collection method: clinical testing. Allele origin: germline.
Comment: The TSFM c.584C>T variant is predicted to result in the amino acid substitution p.Ala195Val. To our knowledge, this variant has not been reported in the literature. This variant is present in 0.017% of alleles in individuals of Latino descent in gnomAD. At this time, the clinical significance of this variant is uncertain due to the absence of conclusive functional and genetic evidence.

GeneDx
Classification: Uncertain significance. Last evaluated: 2024-12-09. Review status: criteria provided, single submitter. Criteria: GeneDx Variant Classification Process June 2021. Collection method: clinical testing. Allele origin: germline. Affected: yes.
Comment: In silico analysis indicates that this missense variant does not alter protein structure/function; Has not been previously published as pathogenic or benign to our knowledge

Ambry Genetics
Classification: Uncertain significance for Inborn genetic diseases. Last evaluated: 2023-05-24. Review status: criteria provided, single submitter. Criteria: Ambry Variant Classification Scheme 2023. Collection method: clinical testing. Allele origin: germline.

Labcorp Genetics (formerly Invitae), Labcorp
Classification: Uncertain significance. Last evaluated: 2022-07-05. Review status: criteria provided, single submitter. Criteria: Invitae Variant Classification Sherloc (09022015). Collection method: clinical testing. Allele origin: germline.
Comment: This sequence change replaces alanine, which is neutral and non-polar, with valine, which is neutral and non-polar, at codon 195 of the TSFM protein (p.Ala195Val). This variant is present in population databases (rs748509130, gnomAD 0.02%). This variant has not been reported in the literature in individuals affected with TSFM-related conditions. ClinVar contains an entry for this variant (Variation ID: 1500703). Algorithms developed to predict the effect of missense changes on protein structure and function (SIFT, PolyPhen-2, Align-GVGD) all suggest that this variant is likely to be tolerated. In summary, the available evidence is currently insufficient to determine the role of this variant in disease. Therefore, it has been classified as a Variant of Uncertain Significance.

Mendelics
Classification: Uncertain significance. Last evaluated: 2022-05-04. Review status: criteria provided, single submitter. Criteria: Mendelics Assertion Criteria 2019. Collection method: clinical testing. Allele origin: germline.